The following is an entry in ClinVar:

ClinVar aggregate classification (germline): Uncertain significance. Review status: criteria provided, multiple submitters, no conflicts (2 of 4 stars). 4 submissions from 4 submitters: Uncertain significance (4). Last evaluated 2026-08-06.

Conditions:
MYPN-related myopathy (CMYO24). Also called: Nemaline myopathy 11, autosomal recessive. Identifiers: MedGen C4479186, MONDO:0015023, OMIM 617336.
Cardiovascular phenotype. Identifiers: MedGen CN230736.
Dilated cardiomyopathy 1KK (CMD1KK). Identifiers: Orphanet 154, Orphanet 75249, MedGen C3714995, MONDO:0014100, OMIM 615248.
Left ventricular noncompaction 1 (LVNC1). Also called: LEFT VENTRICULAR NONCOMPACTION 1 WITH OR WITHOUT CONGENITAL HEART DEFECTS. Identifiers: Orphanet 54260, MedGen C1858725, MONDO:0011403, OMIM 604169.

Allele frequency attached by ClinVar (database versions not stated): ExAC 0.00002; gnomAD 0.00001; TOPMed 0.00001; gnomAD exomes 0.00002 and 0.00001; ESP Exome Variant Server 0.00008.
gnomAD v4.1: 18 of 1,613,930 alleles (0.0011%); highest among the groups gnomAD compares: Middle Eastern, 0.016%; no homozygotes.

Submissions (4):

OLLIN Analises Genomicas, OLLIN
Classification: Uncertain significance for MYPN-related myopathy. Last evaluated: 2026-08-06. Review status: criteria provided, single submitter. Criteria: ACMG Guidelines 2015 PMID 25741868. Collection method: clinical testing. Allele origin: germline. Inheritance: Autosomal dominant inheritance.
Comment: This missense variant, located in exon 11 (of 20), has been reported in ClinVar (accession VCV000574808.11) and in gnomAD with an allele frequency of 0.0011%. However, to our knowledge, it has not been reported in the scientific literature. In silico analysis predicts that this variant has a tolerated effect. According to the currently available evidence, this variant has been classified as uncertain significance (BP4_M).

Ambry Genetics
Classification: Uncertain significance for Cardiovascular phenotype. Last evaluated: 2025-08-20. Review status: criteria provided, single submitter. Criteria: Ambry Variant Classification Scheme 2023. Collection method: clinical testing. Allele origin: germline.
Comment: The p.R822Q variant (also known as c.2465G>A), located in coding exon 10 of the MYPN gene, results from a G to A substitution at nucleotide position 2465. The arginine at codon 822 is replaced by glutamine, an amino acid with highly similar properties. This amino acid position is well conserved in available vertebrate species. In addition, this alteration is predicted to be tolerated by in silico analysis. Since supporting evidence is limited at this time, the clinical significance of this alteration remains unclear.

Labcorp Genetics (formerly Invitae), Labcorp
Classification: Uncertain significance for Dilated cardiomyopathy 1KK. Last evaluated: 2022-02-01. Review status: criteria provided, single submitter. Criteria: Invitae Variant Classification Sherloc (09022015). Collection method: clinical testing. Allele origin: germline.
Comment: This variant is present in population databases (rs372903698, gnomAD 0.01%). In summary, the available evidence is currently insufficient to determine the role of this variant in disease. Therefore, it has been classified as a Variant of Uncertain Significance. Algorithms developed to predict the effect of sequence changes on RNA splicing suggest that this variant may create or strengthen a splice site. Algorithms developed to predict the effect of missense changes on protein structure and function are either unavailable or do not agree on the potential impact of this missense change (SIFT: "Tolerated"; PolyPhen-2: "Possibly Damaging"; Align-GVGD: "Class C0"). ClinVar contains an entry for this variant (Variation ID: 574808). This variant has not been reported in the literature in individuals affected with MYPN-related conditions. This sequence change replaces arginine, which is basic and polar, with glutamine, which is neutral and polar, at codon 822 of the MYPN protein (p.Arg822Gln).

Molecular Diagnostic Laboratory for Inherited Cardiovascular Disease, Montreal Heart Institute
Classification: Uncertain significance for Left ventricular noncompaction 1. Last evaluated: 2020-01-21. Review status: criteria provided, single submitter. Criteria: ACMG Guidelines, 2015. Collection method: clinical testing. Allele origin: germline. Affected: yes.

NM_032578.4(MYPN):c.2465G>A (p.Arg822Gln)

Gene: MYPN (myopalladin; plus strand). Cytogenetic location: 10q21.3.
Variant type: single nucleotide variant.
Coding change: c.2465G>A on transcript NM_032578.4 (MANE Select); coding-DNA position 2465, G replaced by A.
Protein change: p.Arg822Gln; replaces arginine 822 with glutamine.
Molecular consequence: missense variant. On other transcripts: non-coding transcript variant (2).
Genome position (GRCh38, 1-based): chr10:68,174,557, G>A. VCF-style: chr10-68174557-G-A. GRCh37 (hg19) VCF-style: chr10-69934314-G-A.
Other names: c.2465G>A, p.Arg822Gln (NM_001256267.2); c.1583G>A, p.Arg528Gln (NM_001256268.2); short protein forms R822Q, R528Q.
Identifiers: ClinVar variation 574808 (VCV000574808.12), dbSNP rs372903698, ClinGen allele CA5522792.